The following is an entry in ClinVar:

NM_005751.5(AKAP9):c.7339C>G (p.Pro2447Ala)

Gene: AKAP9 (A-kinase anchoring protein 9; plus strand). Cytogenetic location: 7q21.2.
Variant type: single nucleotide variant.
Coding change: c.7339C>G on transcript NM_005751.5 (MANE Select); coding-DNA position 7339, C replaced by G.
Protein change: p.Pro2447Ala; replaces proline 2447 with alanine.
Molecular consequence: missense variant.
Genome position (GRCh38, 1-based): chr7:92,079,472, C>G. VCF-style: chr7-92079472-C-G. GRCh37 (hg19) VCF-style: chr7-91708786-C-G.
Other names: c.1984C>G, p.Pro662Ala (NM_001379277.1); c.7315C>G, p.Pro2439Ala (NM_147185.3); short protein forms P2439A, P2447A, P662A.
Identifiers: ClinVar variation 4842386 (VCV004842386.1).

ClinVar aggregate classification (germline): Uncertain significance (1 of 4 stars; one submission).

Conditions:
Cardiovascular phenotype. Identifiers: MedGen CN230736.

Submission:

Ambry Genetics
Classification: Uncertain significance for Cardiovascular phenotype. Last evaluated: 2026-01-12. Review status: criteria provided, single submitter. Criteria: Ambry Variant Classification Scheme 2023. Collection method: clinical testing. Allele origin: germline.
Comment: The p.P2447A variant (also known as c.7339C>G), located in coding exon 31 of the AKAP9 gene, results from a C to G substitution at nucleotide position 7339. The proline at codon 2447 is replaced by alanine, an amino acid with highly similar properties. This amino acid position is conserved. In addition, this alteration is predicted to be tolerated by in silico analysis. Based on the available evidence, the clinical significance of this variant remains unclear.